The following is an entry in ClinVar:

NM_177550.5(SLC13A5):c.1055+15C>A

Gene: SLC13A5 (solute carrier family 13 member 5; minus strand). Cytogenetic location: 17p13.1.
Variant type: single nucleotide variant.
Coding change: c.1055+15C>A on transcript NM_177550.5 (MANE Select); 15 bases into the intron after coding-DNA position 1055, C replaced by A.
Molecular consequence: intron variant.
Genome position (GRCh38, 1-based): chr17:6,695,711, G>T on the plus strand (C>A on the coding strand, the complement: SLC13A5 is on the minus strand). VCF-style: chr17-6695711-G-T. GRCh37 (hg19) VCF-style: chr17-6599030-G-T.
Other names: c.926+15C>A (NM_001284510.2); c.1004+15C>A (NM_001284509.2); c.1055+15C>A (NM_001143838.3).
Identifiers: ClinVar variation 383100 (VCV000383100.7), dbSNP rs764186836, ClinGen allele CA8331547.

ClinVar aggregate classification (germline): Likely benign. Review status: criteria provided, multiple submitters, no conflicts (2 of 4 stars). 3 submissions from 3 submitters: Likely benign (3). Last evaluated 2025-08-29.

Conditions:
Developmental and epileptic encephalopathy, 25 (DEE25). Also called: Developmental and epileptic encephalopathy 25, with amelogenesis imperfecta; Epileptic encephalopathy, early infantile, 25, with amelogenesis imperfecta; Epileptic encephalopathy, early infantile, 25. Identifiers: Orphanet 442835, MedGen C4014621, MONDO:0014392, OMIM 615905.

Allele frequency attached by ClinVar (database versions not stated): ExAC 0.00001; gnomAD 0.00001 and 0.00002; gnomAD exomes 0.00001 and 0.00004; TOPMed 0.00002.
gnomAD v4.1: 60 of 1,613,390 alleles (0.0037%); highest among the groups gnomAD compares: Non-Finnish European, 0.0048%; no homozygotes.

Submissions (3):

Labcorp Genetics (formerly Invitae), Labcorp
Classification: Likely benign for Developmental and epileptic encephalopathy, 25. Last evaluated: 2025-08-29. Review status: criteria provided, single submitter. Criteria: Invitae Variant Classification Sherloc (09022015). Collection method: clinical testing. Allele origin: germline.

GeneDx
Classification: Likely benign. Last evaluated: 2016-01-28. Review status: criteria provided, single submitter. Criteria: GeneDx Variant Classification (06012015). Collection method: clinical testing. Allele origin: germline. Affected: yes.
Comment: This variant is considered likely benign or benign based on one or more of the following criteria: it is a conservative change, it occurs at a poorly conserved position in the protein, it is predicted to be benign by multiple in silico algorithms, and/or has population frequency not consistent with disease.

Breakthrough Genomics
Classification: Likely benign. Review status: criteria provided, single submitter. Criteria: ACMG Guidelines, 2015. Collection method: not provided. Allele origin: germline. Inheritance: Autosomal recessive inheritance. Affected: yes.